The following is an entry in ClinVar:

ClinVar aggregate classification (germline): Likely benign. Review status: criteria provided, multiple submitters, no conflicts (2 of 4 stars). 3 submissions from 3 submitters: Likely benign (2). 1 of the submissions does not count toward it. Last evaluated 2025-10-01.

Conditions:
KMT2C-related disorder. Also called: KMT2C-related condition; KMT2C-related disorders.

Allele frequency attached by ClinVar (database versions not stated): gnomAD 0.00003; TOPMed 0.00003; ExAC 0.00004; gnomAD exomes 0.00004 and 0.00005; ESP Exome Variant Server 0.00008.
gnomAD v4.1: 70 of 1,604,004 alleles (0.0044%); highest among the groups gnomAD compares: Admixed American, 0.01%; no homozygotes.

Submissions (3):

CeGaT Center for Human Genetics Tuebingen
Classification: Likely benign. Last evaluated: 2025-10-01. Review status: criteria provided, single submitter. Criteria: CeGaT Center For Human Genetics Tuebingen Variant Classification Criteria Version 2. Collection method: clinical testing. Allele origin: germline. Affected: yes. Observed: 2 variant alleles.
Comment: KMT2C: BS2

Labcorp Genetics (formerly Invitae), Labcorp
Classification: Likely benign. Last evaluated: 2024-10-22. Review status: criteria provided, single submitter. Criteria: Invitae Variant Classification Sherloc (09022015). Collection method: clinical testing. Allele origin: germline.

PreventionGenetics, part of Exact Sciences
Classification: Likely benign for KMT2C-related condition. Last evaluated: 2023-06-05. Review status: no assertion criteria provided. Collection method: clinical testing. Allele origin: germline. Not counted in ClinVar's aggregate classification.
Comment: This variant is classified as likely benign based on ACMG/AMP sequence variant interpretation guidelines (Richards et al. 2015 PMID: 25741868, with internal and published modifications).

NM_170606.3(KMT2C):c.4217C>T (p.Pro1406Leu)

Gene: KMT2C (lysine methyltransferase 2C; minus strand). Cytogenetic location: 7q36.1.
Variant type: single nucleotide variant.
Coding change: c.4217C>T on transcript NM_170606.3 (MANE Select); coding-DNA position 4217, C replaced by T.
Protein change: p.Pro1406Leu; replaces proline 1406 with leucine.
Molecular consequence: missense variant.
Genome position (GRCh38, 1-based): chr7:152,199,335, G>A on the plus strand (C>T on the coding strand, the complement: KMT2C is on the minus strand). VCF-style: chr7-152199335-G-A. GRCh37 (hg19) VCF-style: chr7-151896420-G-A.
Other names: c.4217C>T (NM_170606.2); short protein forms P1406L.
Identifiers: ClinVar variation 1461444 (VCV001461444.28), dbSNP rs376997793, ClinGen allele CA4580615.
Genomic context (GRCh38, chr7:152,199,335, plus strand): 5'-ATACCGTGAGTTCCAGATTTTGTTGGAGCCGAGGATGAACTAAGTAGTGGATCTAAGGAA[G>A]GATCCAAGAAACCTGTGTTCATGTTTGTTTTATATAAAAGCTGAGCTCCATCTTCTGACA-3'
Protein context (NP_733751.2, residues 1396-1416): KTNMNTGFLD[Pro1406Leu]SLDPLLSSSS